The following is an entry in ClinVar:

ClinVar aggregate classification (germline): Uncertain significance (1 of 4 stars; one submission).

Submission:

Labcorp Genetics (formerly Invitae), Labcorp
Classification: Uncertain significance. Last evaluated: 2022-04-28. Review status: criteria provided, single submitter. Criteria: Invitae Variant Classification Sherloc (09022015). Collection method: clinical testing. Allele origin: germline.
Comment: In summary, the available evidence is currently insufficient to determine the role of this variant in disease. Therefore, it has been classified as a Variant of Uncertain Significance. Algorithms developed to predict the effect of missense changes on protein structure and function are either unavailable or do not agree on the potential impact of this missense change (SIFT: "Deleterious"; PolyPhen-2: "Possibly Damaging"; Align-GVGD: "Class C0"). This variant has not been reported in the literature in individuals affected with DHX32-related conditions. This variant is not present in population databases (gnomAD no frequency). This sequence change replaces glutamic acid, which is acidic and polar, with alanine, which is neutral and non-polar, at codon 568 of the DHX32 protein (p.Glu568Ala).

NM_018180.3(DHX32):c.1703A>C (p.Glu568Ala)

Genes: BCCIP (BRCA2 and CDKN1A interacting protein; plus strand), DHX32 (DEAH-box helicase 32 (putative); minus strand). Cytogenetic location: 10q26.2.
Variant type: single nucleotide variant.
Coding change: c.1703A>C on transcript NM_018180.3 (MANE Select); coding-DNA position 1703, A replaced by C.
Protein change: p.Glu568Ala; replaces glutamic acid 568 with alanine.
Molecular consequence: missense variant. On other transcripts: intron variant (2).
Genome position (GRCh38, 1-based): chr10:125,839,179, T>G on the plus strand (A>C on the coding strand, the complement: DHX32 is on the minus strand). VCF-style: chr10-125839179-T-G. GRCh37 (hg19) VCF-style: chr10-127527748-T-G.
Other names: c.775-2076T>G (NM_016567.4, NM_078469.3); short protein forms E568A.
Identifiers: ClinVar variation 2131268 (VCV002131268.4), dbSNP rs2494371150, ClinGen allele CA378673301.